The following is an entry in ClinVar:

NM_020774.4(MIB1):c.992C>T (p.Ser331Leu)

Gene: MIB1 (MIB E3 ubiquitin protein ligase 1; plus strand). Cytogenetic location: 18q11.2.
Variant type: single nucleotide variant.
Coding change: c.992C>T on transcript NM_020774.4 (MANE Select); coding-DNA position 992, C replaced by T.
Protein change: p.Ser331Leu; replaces serine 331 with leucine.
Molecular consequence: missense variant.
Genome position (GRCh38, 1-based): chr18:21,791,457, C>T. VCF-style: chr18-21791457-C-T. GRCh37 (hg19) VCF-style: chr18-19371418-C-T.
Other names: short protein forms S331L.
Identifiers: ClinVar variation 1768635 (VCV001768635.2), dbSNP rs1363410355, ClinGen allele CA401748511.
Genomic context (GRCh38, chr18:21,791,457, plus strand): 5'-TCACTAAAGCGAACATTGTCCGAAGTGGAGATGCTGCTCAGGGTGCAGAAGGAGGCACCT[C>T]GCAGTTTCAAGTGGGTGATCTTGTACAAGTTTGTTATGACCTGGAACGAATTAAACTTCT-3'
Protein context (NP_065825.1, residues 321-341): DAAQGAEGGT[Ser331Leu]QFQVGDLVQV

ClinVar aggregate classification (germline): Uncertain significance (1 of 4 stars; one submission).

Conditions:
Inborn genetic diseases. Identifiers: MedGen C0950123, MeSH D030342.

Allele frequency attached by ClinVar (database versions not stated): TOPMed 0.00003; gnomAD exomes 0.00004.
gnomAD v4.1: 58 of 1,613,914 alleles (0.0036%); highest among the groups gnomAD compares: Non-Finnish European, 0.0046%; no homozygotes.

Submission:

Ambry Genetics
Classification: Uncertain significance for Inborn genetic diseases. Last evaluated: 2024-02-16. Review status: criteria provided, single submitter. Criteria: Ambry Variant Classification Scheme 2023. Collection method: clinical testing. Allele origin: germline.
Comment: The p.S331L variant (also known as c.992C>T), located in coding exon 7 of the MIB1 gene, results from a C to T substitution at nucleotide position 992. The serine at codon 331 is replaced by leucine, an amino acid with dissimilar properties. This amino acid position is conserved. In addition, the in silico prediction for this alteration is inconclusive. Since supporting evidence is limited at this time, the clinical significance of this alteration remains unclear.